The following is an entry in ClinVar:

NM_021252.5(RAB18):c.*504A>G

Gene: RAB18 (RAB18, member RAS oncogene family; plus strand). Cytogenetic location: 10p12.1.
Variant type: single nucleotide variant.
Coding change: c.*504A>G on transcript NM_021252.5 (MANE Select); 504 bases downstream of the stop codon, A replaced by G.
Molecular consequence: 3 prime UTR variant. On other transcripts: non-coding transcript variant (1).
Genome position (GRCh38, 1-based): chr10:27,538,555, A>G. VCF-style: chr10-27538555-A-G. GRCh37 (hg19) VCF-style: chr10-27827484-A-G.
Other names: NC_000010.10:g.27827484A>G; c.*504A>G (NM_001256410.2, NM_001256412.2); c.*464A>G (NM_001256411.2).
Identifiers: ClinVar variation 299831 (VCV000299831.7), dbSNP rs12571836, ClinGen allele CA5452477.

ClinVar aggregate classification (germline): Benign. Review status: criteria provided, multiple submitters, no conflicts (2 of 4 stars). 2 submissions from 2 submitters: Benign (2). Last evaluated 2018-01-12.

Conditions:
Warburg micro syndrome 3 (WARBM3). Also called: MICRO SYNDROME 3. Identifiers: Orphanet 2510, MedGen C3280203, MONDO:0013638, OMIM 614222.

Allele frequency attached by ClinVar (database versions not stated): gnomAD 0.01543 and 0.02340; TOPMed 0.02288; gnomAD exomes 0.04287 and 0.05652; ExAC 0.08021; 1000 Genomes Project 30x 0.08370; 1000 Genomes Project 0.09065.
gnomAD v4.1: 16,393 of 454,538 alleles (3.6%); highest among the groups gnomAD compares: East Asian, 31%; 1,358 homozygotes.

Submissions (5):

Illumina Laboratory Services, Illumina
Classification: Benign for Warburg micro syndrome 3. Last evaluated: 2018-01-12. Review status: criteria provided, single submitter. Criteria: ICSL Variant Classification Criteria 13 December 2019. Collection method: clinical testing. Allele origin: germline.
Comment: This variant was observed in the ICSL laboratory as part of a predisposition screen in an ostensibly healthy population. It had not been previously curated by ICSL or reported in the Human Gene Mutation Database (HGMD: prior to June 1st, 2018), and was therefore a candidate for classification through an automated scoring system. Utilizing variant allele frequency, disease prevalence and penetrance estimates, and inheritance mode, an automated score was calculated to assess if this variant is too frequent to cause the disease. Based on the score and internal cut-off values, a variant classified as benign is not then subjected to further curation. The score for this variant resulted in a classification of benign for this disease.

Breakthrough Genomics
Classification: Benign. Review status: criteria provided, single submitter. Criteria: ACMG Guidelines, 2015. Collection method: not provided. Allele origin: germline. Inheritance: Autosomal recessive inheritance. Affected: yes.

Dr. Peter K. Rogan Lab, Western University
No classification provided (evidence only). Condition: Sarcoma. Review status: no classification provided. Collection method: in vitro. Allele origin: not applicable. Functional consequence: retained intron. Not counted in ClinVar's aggregate classification.

Dr. Peter K. Rogan Lab, Western University
No classification provided (evidence only). Condition: Ovarian serous cystadenocarcinoma. Review status: no classification provided. Collection method: in vitro. Allele origin: not applicable. Functional consequence: retained intron. Not counted in ClinVar's aggregate classification.

Dr. Peter K. Rogan Lab, Western University
No classification provided (evidence only). Condition: Ovarian serous cystadenocarcinoma. Review status: no classification provided. Collection method: in vitro. Allele origin: not applicable. Functional consequence: retained intron. Not counted in ClinVar's aggregate classification.